The following is an entry in ClinVar:

NM_002225.5(IVD):c.883A>T (p.Met295Leu)

Gene: IVD (isovaleryl-CoA dehydrogenase; plus strand). Cytogenetic location: 15q15.1.
Variant type: single nucleotide variant.
Coding change: c.883A>T on transcript NM_002225.5 (MANE Select); coding-DNA position 883, A replaced by T.
Protein change: p.Met295Leu; replaces methionine 295 with leucine.
Molecular consequence: missense variant. On other transcripts: non-coding transcript variant (1).
Genome position (GRCh38, 1-based): chr15:40,415,405, A>T. VCF-style: chr15-40415405-A-T. GRCh37 (hg19) VCF-style: chr15-40707604-A-T.
Other names: c.793A>T, p.Met265Leu (NM_001159508.3); c.835A>T, p.Met279Leu (NM_001354597.3); c.883A>T, p.Met295Leu (NM_001354598.3, NM_001354601.3); c.970A>T, p.Met324Leu (NM_001354599.3, NM_001354600.3); short protein forms M295L, M324L, M265L, M279L.
Identifiers: ClinVar variation 635282 (VCV000635282.2), dbSNP rs1595786853, ClinGen allele CA391721248.

ClinVar aggregate classification (germline): Likely pathogenic (0 of 4 stars; one submission).

Conditions:
Isovaleryl-CoA dehydrogenase deficiency (IVA). Also called: Classic Isovaleric Acidemia; ISOVALERIC ACID CoA DEHYDROGENASE DEFICIENCY; Isovaleric acidemia; IVD DEFICIENCY. Identifiers: Orphanet 33, MedGen C0268575, MONDO:0009475, OMIM 243500.

Submission:

Pediatric Metabolic Diseases, Hacettepe University
Classification: Likely pathogenic for Isovaleryl-CoA dehydrogenase deficiency. Last evaluated: 2019-05-01. Review status: no assertion criteria provided. Collection method: clinical testing. Allele origin: inherited. Inheritance: Autosomal recessive inheritance. Affected: yes. Observed: 1 homozygote.